The following is an entry in ClinVar:

ClinVar aggregate classification (germline): Conflicting classifications of pathogenicity. Review status: criteria provided, conflicting classifications (1 of 4 stars). 2 submissions from 2 submitters: Uncertain significance (1); Likely benign (1). Last evaluated 2025-03-01.

Conditions:
Inborn genetic diseases. Identifiers: MedGen C0950123, MeSH D030342.

Allele frequency attached by ClinVar (database versions not stated): ExAC 0.00017; ESP Exome Variant Server 0.00046; 1000 Genomes Project 0.00060; 1000 Genomes Project 30x 0.00062.
gnomAD v4.1: 201 of 1,613,348 alleles (0.012%); highest among the groups gnomAD compares: African/African-American, 0.18%; no homozygotes.

Submissions (2):

CeGaT Center for Human Genetics Tuebingen
Classification: Likely benign. Last evaluated: 2025-03-01. Review status: criteria provided, single submitter. Criteria: CeGaT Center For Human Genetics Tuebingen Variant Classification Criteria Version 2. Collection method: clinical testing. Allele origin: germline. Affected: yes. Observed: 1 variant allele.
Comment: SRRM2: BP4, BS1

Ambry Genetics
Classification: Uncertain significance for Inborn genetic diseases. Last evaluated: 2021-08-12. Review status: criteria provided, single submitter. Criteria: Ambry Variant Classification Scheme 2023. Collection method: clinical testing. Allele origin: germline.

NM_016333.4(SRRM2):c.3874T>G (p.Ser1292Ala)

Gene: SRRM2 (serine/arginine repetitive matrix 2; plus strand). Cytogenetic location: 16p13.3.
Variant type: single nucleotide variant.
Coding change: c.3874T>G on transcript NM_016333.4 (MANE Select); coding-DNA position 3874, T replaced by G.
Protein change: p.Ser1292Ala; replaces serine 1292 with alanine.
Molecular consequence: missense variant.
Genome position (GRCh38, 1-based): chr16:2,764,402, T>G. VCF-style: chr16-2764402-T-G. GRCh37 (hg19) VCF-style: chr16-2814403-T-G.
Other names: short protein forms S1292A.
Identifiers: ClinVar variation 3170130 (VCV003170130.8), dbSNP rs148506290, ClinGen allele CA7848023.